The following is an entry in ClinVar:

Conditions:
Arteriohepatic dysplasia. Also called: Alagille Syndrome. Identifiers: Orphanet 52, MedGen C0085280, MeSH D016738, MONDO:0007318.

Submission:

Gilbert/Spinner Lab, Children's Hospital of Philadelphia
No classification provided (evidence only). Condition: Alagille syndrome. Review status: no classification provided. Collection method: research. Allele origin: not applicable. Functional consequence: functionally_abnormal.
ClinVar note: "not provided" was previously submitted as the classification for the variant. However, the classification appeared to be based only on an observation of functional data so it was converted to no classification on 2025-07-30.

NM_000214.3(JAG1):c.359T>A (p.Ile120Asn)

Gene: JAG1 (jagged canonical Notch ligand 1; minus strand). Cytogenetic location: 20p12.2.
Variant type: single nucleotide variant.
Coding change: c.359T>A on transcript NM_000214.3 (MANE Select); coding-DNA position 359, T replaced by A.
Protein change: p.Ile120Asn; replaces isoleucine 120 with asparagine.
Molecular consequence: missense variant.
Genome position (GRCh38, 1-based): chr20:10,672,729, A>T on the plus strand (T>A on the coding strand, the complement: JAG1 is on the minus strand). VCF-style: chr20-10672729-A-T. GRCh37 (hg19) VCF-style: chr20-10653377-A-T.
Other names: short protein forms I120N.
Identifiers: ClinVar variation 3573447 (VCV003573447.2).
Genomic context (GRCh38, chr20:10,672,729, plus strand): 5'-CCGCCCGGCCTCCTTCCCGAGTAGTCACTCACCGGCCAGGCGAAACTGAAAGGCAGCACG[A>T]TGCGGTTGCGGTCGTTGCCGCGGCTGGCCTTGAGGTTGAAGGTGTTGCCCCCGATGACAG-3'
Protein context (NP_000205.1, residues 110-130): KASRGNDRNR[Ile120Asn]VLPFSFAWPR